The following is an entry in ClinVar:

ClinVar aggregate classification (germline): Likely benign (1 of 4 stars; one submission).

Conditions:
Polydactyly of a triphalangeal thumb. Also called: POLYDACTYLY OF TRIPHALANGEAL THUMB; TRIPHALANGEAL THUMB-POLYDACTYLY SYNDROME; Polydactyly, preaxial type II. Identifiers: Orphanet 2439, Orphanet 2950, Orphanet 93336, MedGen C1868114, MONDO:0008270, OMIM 174500.

Allele frequency attached by ClinVar (database versions not stated): gnomAD 0.00005 and 0.00006; TOPMed 0.00008.
gnomAD v4.1: 214 of 1,540,532 alleles (0.014%); highest among the groups gnomAD compares: Non-Finnish European, 0.018%; no homozygotes.

Submission:

Illumina Laboratory Services, Illumina
Classification: Likely benign for Polydactyly of a triphalangeal thumb. Last evaluated: 2018-01-13. Review status: criteria provided, single submitter. Criteria: ICSL Variant Classification Criteria 13 December 2019. Collection method: clinical testing. Allele origin: germline.
Comment: This variant was observed in the ICSL laboratory as part of a predisposition screen in an ostensibly healthy population. It had not been previously curated by ICSL or reported in the Human Gene Mutation Database (HGMD: prior to June 1st, 2018), and was therefore a candidate for classification through an automated scoring system. Utilizing variant allele frequency, disease prevalence and penetrance estimates, and inheritance mode, an automated score was calculated to assess if this variant is too frequent to cause the disease. Based on the score and internal cut-off values, a variant classified as likely benign is not then subjected to further curation. The score for this variant resulted in a classification of likely benign for this disease.

NM_022458.4(LMBR1):c.52G>T (p.Val18Leu)

Genes: LMBR1 (limb development membrane protein 1; minus strand), LOC129999727 (ATAC-STARR-seq lymphoblastoid silent region 18853; plus strand). Cytogenetic location: 7q36.3.
Variant type: single nucleotide variant.
Coding change: c.52G>T on transcript NM_022458.4 (MANE Select); coding-DNA position 52, G replaced by T.
Protein change: p.Val18Leu; replaces valine 18 with leucine.
Molecular consequence: missense variant. On other transcripts: 5 prime UTR variant (7), non-coding transcript variant (2).
Genome position (GRCh38, 1-based): chr7:156,892,942, C>A on the plus strand (G>T on the coding strand, the complement: LMBR1 is on the minus strand). VCF-style: chr7-156892942-C-A. GRCh37 (hg19) VCF-style: chr7-156685636-C-A.
Other names: c.52G>T, p.Val18Leu (NM_001350953.2, NM_001363409.2, NM_001363410.2); c.-88G>T (NM_001350954.2); c.-581G>T (NM_001350955.2); c.-483G>T (NM_001350956.2, NM_001350958.2); c.-416G>T (NM_001350957.2, NM_001363411.2); c.62G>T, p.Ser21Ile (NM_001363412.2); c.-601G>T (NM_001363413.2); short protein forms V18L, S21I.
Identifiers: ClinVar variation 359439 (VCV000359439.5), dbSNP rs147215221, ClinGen allele CA4588277.